The following is an entry in ClinVar:

NM_033409.4(SLC52A3):c.1372T>G (p.Ser458Ala)

Gene: SLC52A3 (solute carrier family 52 member 3; minus strand). Cytogenetic location: 20p13.
Variant type: single nucleotide variant.
Coding change: c.1372T>G on transcript NM_033409.4 (MANE Select); coding-DNA position 1372, T replaced by G.
Protein change: p.Ser458Ala; replaces serine 458 with alanine.
Molecular consequence: missense variant.
Genome position (GRCh38, 1-based): chr20:761,064, A>C on the plus strand (T>G on the coding strand, the complement: SLC52A3 is on the minus strand). VCF-style: chr20-761064-A-C. GRCh37 (hg19) VCF-style: chr20-741708-A-C.
Other names: c.1372T>G, p.Ser458Ala (NM_001370085.1, NM_001370086.1); short protein forms S458A.
Identifiers: ClinVar variation 3026553 (VCV003026553.22), dbSNP rs1383407236, ClinGen allele CA407961784.

ClinVar aggregate classification (germline): Uncertain significance (1 of 4 stars; one submission).

Allele frequency attached by ClinVar (database versions not stated): gnomAD exomes below 0.00001.
gnomAD v4.1: 1 of 1,610,068 alleles (0.000062%); highest among the groups gnomAD compares: Non-Finnish European, 0.000085%; no homozygotes.

Submission:

CeGaT Center for Human Genetics Tuebingen
Classification: Uncertain significance. Last evaluated: 2023-12-01. Review status: criteria provided, single submitter. Criteria: CeGaT Center For Human Genetics Tuebingen Variant Classification Criteria Version 2. Collection method: clinical testing. Allele origin: germline. Affected: yes. Observed: 1 variant allele.
Comment: SLC52A3: PM2, BP4